The following is an entry in ClinVar:

NM_025099.6(CTC1):c.880C>T (p.Gln294Ter)

Gene: CTC1 (CST telomere replication complex component 1; minus strand). Cytogenetic location: 17p13.1.
Variant type: single nucleotide variant.
Coding change: c.880C>T on transcript NM_025099.6 (MANE Select); coding-DNA position 880, C replaced by T.
Protein change: p.Gln294Ter; replaces glutamine 294 with a stop codon.
Molecular consequence: nonsense. On other transcripts: non-coding transcript variant (1).
Genome position (GRCh38, 1-based): chr17:8,236,255, G>A on the plus strand (C>T on the coding strand, the complement: CTC1 is on the minus strand). VCF-style: chr17-8236255-G-A. GRCh37 (hg19) VCF-style: chr17-8139573-G-A.
Other names: short protein forms Q294*.
Identifiers: ClinVar variation 1451275 (VCV001451275.6), dbSNP rs2151523798, ClinGen allele CA397988709.
Genomic context (GRCh38, chr17:8,236,255, plus strand): 5'-ATTCTGGTTTCAGCAGCAACAGACGGGAGGACTGACTGGTCATCCAAACATGCTGGCGCT[G>A]ACCACGGATCTTGGACACTCGCAGTTCTGTCAGCACATAGGCTGTACCAGGCCGAAGGGC-3'

ClinVar aggregate classification (germline): Pathogenic (1 of 4 stars; one submission).

Conditions:
Dyskeratosis congenita. Identifiers: Orphanet 1775, MedGen C0265965, MONDO:0015780.

Submission:

Labcorp Genetics (formerly Invitae), Labcorp
Classification: Pathogenic for Dyskeratosis congenita. Last evaluated: 2021-07-28. Review status: criteria provided, single submitter. Criteria: Invitae Variant Classification Sherloc (09022015). Collection method: clinical testing. Allele origin: germline.
Comment: For these reasons, this variant has been classified as Pathogenic. This variant has not been reported in the literature in individuals affected with CTC1-related conditions. This variant is not present in population databases (ExAC no frequency). This sequence change creates a premature translational stop signal (p.Gln294*) in the CTC1 gene. It is expected to result in an absent or disrupted protein product. Loss-of-function variants in CTC1 are known to be pathogenic (PMID: 22267198, 22387016).

Literature cited by the submitters: PubMed 22267198; PubMed 22387016.